The following is an entry in ClinVar:

NM_001830.4(CLCN4):c.823G>C (p.Val275Leu)

Gene: CLCN4 (Cl-/H+ antiporter 4; plus strand). Cytogenetic location: Xp22.2.
Variant type: single nucleotide variant.
Coding change: c.823G>C on transcript NM_001830.4 (MANE Select); coding-DNA position 823, G replaced by C.
Protein change: p.Val275Leu; replaces valine 275 with leucine.
Molecular consequence: missense variant.
Genome position (GRCh38, 1-based): chrX:10,206,756, G>C. VCF-style: chrX-10206756-G-C. GRCh37 (hg19) VCF-style: chrX-10174796-G-C.
Other names: c.541G>C, p.Val181Leu (NM_001256944.2); c.823G>C (NM_001830.3); short protein forms V181L, V275L.
Identifiers: ClinVar variation 1691413 (VCV001691413.8), dbSNP rs879255585, ClinGen allele CA412037220.

ClinVar aggregate classification (germline): Conflicting classifications of pathogenicity. Review status: criteria provided, conflicting classifications (1 of 4 stars). 3 submissions from 3 submitters: Pathogenic (1); Uncertain significance (2). Last evaluated 2023-11-10.

Conditions:
Intellectual disability, X-linked 49 (MRXSRC). Also called: MRX49; CLCN4-Related Neurodevelopmental Disorder; MENTAL RETARDATION, X-LINKED 15; CLCN4-related X-linked intellectual disability syndrome; RAYNAUD-CLAES SYNDROME. Identifiers: Orphanet 485350, Orphanet 777, MedGen C0796221, MONDO:0010250, OMIM 300114.

Submissions (3):

GeneDx
Classification: Pathogenic. Last evaluated: 2023-11-10. Review status: criteria provided, single submitter. Criteria: GeneDx Variant Classification Process June 2021. Collection method: clinical testing. Allele origin: germline. Affected: yes.
Comment: Not observed at significant frequency in large population cohorts (gnomAD); In silico analysis supports that this missense variant has a deleterious effect on protein structure/function; This variant is associated with the following publications: (PMID: 33880059, 36385166, 27550844)

Labcorp Genetics (formerly Invitae), Labcorp
Classification: Uncertain significance. Last evaluated: 2022-09-07. Review status: criteria provided, single submitter. Criteria: Invitae Variant Classification Sherloc (09022015). Collection method: clinical testing. Allele origin: germline.
Comment: This variant is not present in population databases (gnomAD no frequency). This sequence change replaces valine, which is neutral and non-polar, with leucine, which is neutral and non-polar, at codon 275 of the CLCN4 protein (p.Val275Leu). This variant has not been reported in the literature in individuals affected with CLCN4-related conditions. In summary, the available evidence is currently insufficient to determine the role of this variant in disease. Therefore, it has been classified as a Variant of Uncertain Significance. This variant disrupts the p.Val275 amino acid residue in CLCN4. Other variant(s) that disrupt this residue have been determined to be pathogenic (PMID: 27550844, 33880059). This suggests that this residue is clinically significant, and that variants that disrupt this residue are likely to be disease-causing. Algorithms developed to predict the effect of missense changes on protein structure and function (SIFT, PolyPhen-2, Align-GVGD) all suggest that this variant is likely to be disruptive.

Gene2Care/ Palmer Lab, University of New South Wales
Classification: Uncertain significance for Intellectual disability, X-linked 49. Last evaluated: 2022-05-27. Review status: criteria provided, single submitter. Criteria: ACMG Guidelines, 2015. Collection method: clinical testing. Allele origin: germline. Affected: yes.

Literature cited by the submitters: PubMed 27550844 (cited by Labcorp Genetics (formerly Invitae), Labcorp); PubMed 33880059 (cited by Labcorp Genetics (formerly Invitae), Labcorp).